The following is an entry in ClinVar:

ClinVar aggregate classification (germline): Uncertain significance (1 of 4 stars; one submission).

Submission:

GeneDx
Classification: Uncertain significance. Last evaluated: 2024-04-23. Review status: criteria provided, single submitter. Criteria: GeneDx Variant Classification Process June 2021. Collection method: clinical testing. Allele origin: germline. Affected: yes.
Comment: Not observed at significant frequency in large population cohorts (gnomAD); In silico analysis indicates that this missense variant does not alter protein structure/function; Has not been previously published as pathogenic or benign to our knowledge

NM_001368397.1(FRMPD4):c.2170A>G (p.Ser724Gly)

Gene: FRMPD4 (FERM and PDZ domain containing 4; plus strand). Cytogenetic location: Xp22.2.
Variant type: single nucleotide variant.
Coding change: c.2170A>G on transcript NM_001368397.1 (MANE Select); coding-DNA position 2170, A replaced by G.
Protein change: p.Ser724Gly; replaces serine 724 with glycine.
Molecular consequence: missense variant.
Genome position (GRCh38, 1-based): chrX:12,716,629, A>G. VCF-style: chrX-12716629-A-G. GRCh37 (hg19) VCF-style: chrX-12734748-A-G.
Other names: c.2281A>G, p.Ser761Gly (NM_001368395.3, NM_001368398.3); c.2176A>G, p.Ser726Gly (NM_001368396.3); c.2161A>G, p.Ser721Gly (NM_001368399.3); c.2050A>G, p.Ser684Gly (NM_001368400.3); c.2146A>G, p.Ser716Gly (NM_001368401.1, NM_001368402.3); c.2170A>G, p.Ser724Gly (NM_014728.3); short protein forms S684G, S716G, S721G, S724G, S726G, S761G.
Identifiers: ClinVar variation 3372857 (VCV003372857.1).